The following is an entry in ClinVar:

ClinVar aggregate classification (germline): Benign/Likely benign. Review status: criteria provided, multiple submitters, no conflicts (2 of 4 stars). 2 submissions from 2 submitters: Benign (1); Likely benign (1). Last evaluated 2024-10-30.

Conditions:
Early-infantile DEE. Also called: Early infantile epileptic encephalopathy; Ohtahara syndrome; Early infantile epileptic encephalopathy with suppression bursts. Identifiers: Orphanet 1934, MedGen C0393706, MONDO:0800491.

Allele frequency attached by ClinVar (database versions not stated): gnomAD 0.00004; gnomAD exomes 0.00011 and 0.00003; ExAC 0.00003; TOPMed 0.00003.
gnomAD v4.1: 163 of 1,576,510 alleles (0.01%); highest among the groups gnomAD compares: Non-Finnish European, 0.014%; no homozygotes.

Submissions (2):

Labcorp Genetics (formerly Invitae), Labcorp
Classification: Likely benign for Early-infantile DEE. Last evaluated: 2024-10-30. Review status: criteria provided, single submitter. Criteria: Invitae Variant Classification Sherloc (09022015). Collection method: clinical testing. Allele origin: germline.

GeneDx
Classification: Benign. Last evaluated: 2014-09-29. Review status: criteria provided, single submitter. Criteria: GeneDx Variant Classification (06012015). Collection method: clinical testing. Allele origin: germline. Affected: yes.
Comment: This variant is considered likely benign or benign based on one or more of the following criteria: it is a conservative change, it occurs at a poorly conserved position in the protein, it is predicted to be benign by multiple in silico algorithms, and/or has population frequency not consistent with disease.

NM_172107.4(KCNQ2):c.1149-20C>T

Gene: KCNQ2 (potassium voltage-gated channel subfamily Q member 2; minus strand). Cytogenetic location: 20q13.33.
Variant type: single nucleotide variant.
Coding change: c.1149-20C>T on transcript NM_172107.4 (MANE Select); 20 bases into the intron before coding-DNA position 1149, C replaced by T.
Molecular consequence: intron variant.
Genome position (GRCh38, 1-based): chr20:63,428,455, G>A on the plus strand (C>T on the coding strand, the complement: KCNQ2 is on the minus strand). VCF-style: chr20-63428455-G-A. GRCh37 (hg19) VCF-style: chr20-62059808-G-A.
Other names: c.1119-20C>T (NM_001439004.1, NM_004518.6); c.1149-20C>T (NM_172108.5, NM_001439003.1, NM_172106.3 and 1 more transcripts).
Identifiers: ClinVar variation 205835 (VCV000205835.9), dbSNP rs754997316, ClinGen allele CA315296.